The following is an entry in ClinVar:

NM_000427.3(LORICRIN):c.763G>T (p.Gly255Cys)

Gene: LORICRIN (loricrin cornified envelope precursor protein; plus strand). Cytogenetic location: 1q21.3.
Variant type: single nucleotide variant.
Coding change: c.763G>T on transcript NM_000427.3 (MANE Select); coding-DNA position 763, G replaced by T.
Protein change: p.Gly255Cys; replaces glycine 255 with cysteine.
Molecular consequence: missense variant.
Genome position (GRCh38, 1-based): chr1:153,261,712, G>T. VCF-style: chr1-153261712-G-T. GRCh37 (hg19) VCF-style: chr1-153234188-G-T.
Other names: c.763G>T (NM_000427.2); short protein forms G255C.
Identifiers: ClinVar variation 2639347 (VCV002639347.25), dbSNP rs769886857, ClinGen allele CA1114364.

ClinVar aggregate classification (germline): Conflicting classifications of pathogenicity. Review status: criteria provided, conflicting classifications (1 of 4 stars). 2 submissions from 2 submitters: Uncertain significance (1); Benign (1). Last evaluated 2022-12-01.

Allele frequency attached by ClinVar (database versions not stated): gnomAD 0.00013.
gnomAD v4.1: 210 of 1,539,408 alleles (0.014%); highest among the groups gnomAD compares: Admixed American, 0.0039%; no homozygotes.

Submissions (2):

CeGaT Center for Human Genetics Tuebingen
Classification: Benign. Last evaluated: 2022-12-01. Review status: criteria provided, single submitter. Criteria: CeGaT Center For Human Genetics Tuebingen Variant Classification Criteria Version 2. Collection method: clinical testing. Allele origin: germline. Affected: yes. Observed: 1 variant allele.
Comment: LORICRIN: BP4, BS1, BS2

Ambry Genetics
Classification: Uncertain significance. Last evaluated: 2022-04-25. Review status: criteria provided, single submitter. Criteria: Ambry Variant Classification Scheme 2023. Collection method: clinical testing. Allele origin: germline.